The following is an entry in ClinVar:

ClinVar aggregate classification (germline): Uncertain significance (1 of 4 stars; one submission).

Conditions:
Kabuki syndrome. Also called: NIIKAWA-KUROKI SYNDROME; Kabuki make-up syndrome. Identifiers: Orphanet 2322, MedGen C0796004, MONDO:0016512.

gnomAD v4.1: 3 of 1,608,546 alleles (0.00019%); highest among the groups gnomAD compares: Non-Finnish European, 0.00026%; no homozygotes.

Submission:

Labcorp Genetics (formerly Invitae), Labcorp
Classification: Uncertain significance for Kabuki syndrome. Last evaluated: 2025-12-13. Review status: criteria provided, single submitter. Criteria: Invitae Variant Classification Sherloc (09022015). Collection method: clinical testing. Allele origin: germline.
Comment: This sequence change replaces methionine, which is neutral and non-polar, with isoleucine, which is neutral and non-polar, at codon 5360 of the KMT2D protein (p.Met5360Ile). This variant is not present in population databases (gnomAD no frequency). This variant has not been reported in the literature in individuals affected with KMT2D-related conditions. ClinVar contains an entry for this variant (Variation ID: 3616373). Invitae Evidence Modeling of protein sequence and biophysical properties (such as structural, functional, and spatial information, amino acid conservation, physicochemical variation, residue mobility, and thermodynamic stability) indicates that this missense variant is not expected to disrupt KMT2D protein function with a negative predictive value of 95%. In summary, the available evidence is currently insufficient to determine the role of this variant in disease. Therefore, it has been classified as a Variant of Uncertain Significance.

NM_003482.4(KMT2D):c.16080G>A (p.Met5360Ile)

Gene: KMT2D (lysine methyltransferase 2D; minus strand). Cytogenetic location: 12q13.12.
Variant type: single nucleotide variant.
Coding change: c.16080G>A on transcript NM_003482.4 (MANE Select); coding-DNA position 16080, G replaced by A.
Protein change: p.Met5360Ile; replaces methionine 5360 with isoleucine.
Molecular consequence: missense variant.
Genome position (GRCh38, 1-based): chr12:49,022,848, C>T on the plus strand (G>A on the coding strand, the complement: KMT2D is on the minus strand). VCF-style: chr12-49022848-C-T. GRCh37 (hg19) VCF-style: chr12-49416631-C-T.
Other names: short protein forms M5360I.
Identifiers: ClinVar variation 3616373 (VCV003616373.2).